The following is an entry in ClinVar:

ClinVar aggregate classification (germline): Uncertain significance (1 of 4 stars; one submission).

Allele frequency attached by ClinVar (database versions not stated): TOPMed below 0.00001.

Submission:

CeGaT Center for Human Genetics Tuebingen
Classification: Uncertain significance. Last evaluated: 2023-06-01. Review status: criteria provided, single submitter. Criteria: CeGaT Center For Human Genetics Tuebingen Variant Classification Criteria Version 2. Collection method: clinical testing. Allele origin: germline. Affected: yes. Observed: 1 variant allele.
Comment: SYNE1: PM2

NM_182961.4(SYNE1):c.13330C>G (p.Arg4444Gly)

Gene: SYNE1 (spectrin repeat containing nuclear envelope protein 1; minus strand). Cytogenetic location: 6q25.2.
Variant type: single nucleotide variant.
Coding change: c.13330C>G on transcript NM_182961.4 (MANE Select); coding-DNA position 13330, C replaced by G.
Protein change: p.Arg4444Gly; replaces arginine 4444 with glycine.
Molecular consequence: missense variant.
Genome position (GRCh38, 1-based): chr6:152,331,355, G>C on the plus strand (C>G on the coding strand, the complement: SYNE1 is on the minus strand). VCF-style: chr6-152331355-G-C. GRCh37 (hg19) VCF-style: chr6-152652490-G-C.
Other names: c.13117C>G, p.Arg4373Gly (NM_033071.5); short protein forms R4373G, R4444G.
Identifiers: ClinVar variation 2571264 (VCV002571264.27), dbSNP rs1251202658, ClinGen allele CA366101935.